The following is an entry in ClinVar:

NM_178565.5(RSPO2):c.278G>A (p.Cys93Tyr)

Gene: RSPO2 (R-spondin 2; minus strand). Cytogenetic location: 8q23.1.
Variant type: single nucleotide variant.
Coding change: c.278G>A on transcript NM_178565.5 (MANE Select); coding-DNA position 278, G replaced by A.
Protein change: p.Cys93Tyr; replaces cysteine 93 with tyrosine.
Molecular consequence: missense variant. On other transcripts: intron variant (1).
Genome position (GRCh38, 1-based): chr8:107,989,061, C>T on the plus strand (G>A on the coding strand, the complement: RSPO2 is on the minus strand). VCF-style: chr8-107989061-C-T. GRCh37 (hg19) VCF-style: chr8-109001289-C-T.
Other names: c.77G>A, p.Cys26Tyr (NM_001317942.2); c.95-28244G>A (NM_001282863.2); short protein forms C93Y, C26Y.
Identifiers: ClinVar variation 2026102 (VCV002026102.4), dbSNP rs2537343454, ClinGen allele CA372036046.

ClinVar aggregate classification (germline): Uncertain significance (1 of 4 stars; one submission).

Submission:

Labcorp Genetics (formerly Invitae), Labcorp
Classification: Uncertain significance. Last evaluated: 2022-08-22. Review status: criteria provided, single submitter. Criteria: Invitae Variant Classification Sherloc (09022015). Collection method: clinical testing. Allele origin: germline.
Comment: In summary, the available evidence is currently insufficient to determine the role of this variant in disease. Therefore, it has been classified as a Variant of Uncertain Significance. Algorithms developed to predict the effect of missense changes on protein structure and function are either unavailable or do not agree on the potential impact of this missense change (SIFT: "Deleterious"; PolyPhen-2: "Probably Damaging"; Align-GVGD: "Class C15"). This variant has not been reported in the literature in individuals affected with RSPO2-related conditions. This variant is not present in population databases (gnomAD no frequency). This sequence change replaces cysteine, which is neutral and slightly polar, with tyrosine, which is neutral and polar, at codon 93 of the RSPO2 protein (p.Cys93Tyr).